The following is an entry in ClinVar:

ClinVar aggregate classification (germline): Uncertain significance (1 of 4 stars; one submission).

Submission:

Labcorp Genetics (formerly Invitae), Labcorp
Classification: Uncertain significance. Last evaluated: 2021-09-17. Review status: criteria provided, single submitter. Criteria: Invitae Variant Classification Sherloc (09022015). Collection method: clinical testing. Allele origin: germline.
Comment: This sequence change replaces valine with phenylalanine at codon 12 of the TSFM protein (p.Val12Phe). The valine residue is weakly conserved and there is a small physicochemical difference between valine and phenylalanine. This variant is not present in population databases (ExAC no frequency). This variant has not been reported in the literature in individuals with TSFM-related conditions. Algorithms developed to predict the effect of missense changes on protein structure and function are either unavailable or do not agree on the potential impact of this missense change (SIFT: "Tolerated"; PolyPhen-2: "Possibly Damaging"; Align-GVGD: "Class C0"). In summary, the available evidence is currently insufficient to determine the role of this variant in disease. Therefore, it has been classified as a Variant of Uncertain Significance.

NM_005726.6(TSFM):c.34G>T (p.Val12Phe)

Gene: TSFM (Ts translation elongation factor, mitochondrial; plus strand). Cytogenetic location: 12q14.1.
Variant type: single nucleotide variant.
Coding change: c.34G>T on transcript NM_005726.6 (MANE Select); coding-DNA position 34, G replaced by T.
Protein change: p.Val12Phe; replaces valine 12 with phenylalanine.
Molecular consequence: missense variant.
Genome position (GRCh38, 1-based): chr12:57,782,835, G>T. VCF-style: chr12-57782835-G-T. GRCh37 (hg19) VCF-style: chr12-58176618-G-T.
Other names: c.34G>T, p.Val12Phe (NM_001172695.2, NM_001172696.2, NM_001172697.2); short protein forms V12F.
Identifiers: ClinVar variation 1920353 (VCV001920353.2), dbSNP rs2540941601, ClinGen allele CA385522989.